The following is an entry in ClinVar:

ClinVar aggregate classification (germline): Uncertain significance (1 of 4 stars; one submission).

Conditions:
Idiopathic generalized epilepsy. Also called: EIG; Generalised epilepsy. Identifiers: MedGen C0270850, MONDO:0005579, OMIM 600669.
Hyperaldosteronism, familial, type IV (HALD4). Also called: FH IV; ALDOSTERONISM, PRIMARY, AND HYPERTENSION. Identifiers: Orphanet 642671, MedGen C4310756, MONDO:0014875, OMIM 617027.

Submission:

Labcorp Genetics (formerly Invitae), Labcorp
Classification: Uncertain significance for Idiopathic generalized epilepsy; Hyperaldosteronism, familial, type IV. Last evaluated: 2023-09-27. Review status: criteria provided, single submitter. Criteria: Invitae Variant Classification Sherloc (09022015). Collection method: clinical testing. Allele origin: germline.
Comment: This variant, c.562_564del, results in the deletion of 1 amino acid(s) of the CACNA1H protein (p.Leu188del), but otherwise preserves the integrity of the reading frame. This variant is present in population databases (no rsID available, gnomAD 0.003%). This variant has not been reported in the literature in individuals affected with CACNA1H-related conditions. Experimental studies and prediction algorithms are not available or were not evaluated, and the functional significance of this variant is currently unknown. In summary, the available evidence is currently insufficient to determine the role of this variant in disease. Therefore, it has been classified as a Variant of Uncertain Significance.

NM_021098.3(CACNA1H):c.562_564del (p.Leu188del)

Gene: CACNA1H (calcium voltage-gated channel subunit alpha1 H; plus strand). Cytogenetic location: 16p13.3.
Variant type: Deletion.
Coding change: c.562_564del on transcript NM_021098.3 (MANE Select); coding-DNA positions 562 to 564, 3 bases deleted (TTG; older notation c.562_564delTTG).
Protein change: p.Leu188del; deletes leucine 188.
Molecular consequence: inframe deletion.
Genome position (GRCh38, 1-based): chr16:1,195,942-1,195,944, TTG deleted; deleting any 3 consecutive bases within chr16:1,195,941-1,195,944 gives the same sequence; the c. name uses the placement nearest the transcript's 3' end. VCF-style (leftmost placement, unchanged base first): chr16-1195940-CGTT-C. GRCh37 (hg19) VCF-style: chr16-1245940-CGTT-C.
Other names: c.562_564del, p.Leu188del (NM_001005407.2); short protein forms L188del.
Identifiers: ClinVar variation 2934444 (VCV002934444.3), dbSNP rs1567496283, ClinGen allele CA620327955.